The following is an entry in ClinVar:

ClinVar aggregate classification (germline): Uncertain significance. Review status: criteria provided, single submitter (1 of 4 stars). 2 submissions from 2 submitters: Uncertain significance (1). 1 of the submissions does not count toward it. Last evaluated 2024-06-03.

Conditions:
Hypospadias 1, X-linked (HYSP1). Identifiers: Orphanet 440, MedGen C2678098, MONDO:0010384, OMIM 300633.

Allele frequency attached by ClinVar (database versions not stated): gnomAD exomes below 0.00001.
gnomAD v4.1: 1 of 1,211,347 alleles (0.000083%); highest among the groups gnomAD compares: Non-Finnish European, 0.00011%; no homozygotes.

Submissions (2):

Women's Health and Genetics/Laboratory Corporation of America, LabCorp
Classification: Uncertain significance. Last evaluated: 2024-06-03. Review status: criteria provided, single submitter. Criteria: LabCorp Variant Classification Summary - May 2015. Collection method: clinical testing. Allele origin: germline.
Comment: Variant summary: AR c.1645C>T (p.Pro549Ser) results in a non-conservative amino acid change in the encoded protein sequence. Five of five in-silico tools predict a damaging effect of the variant on protein function. The variant was absent in 183258 control chromosomes. The available data on variant occurrences in the general population are insufficient to allow any conclusion about variant significance. c.1645C>T has been reported in the literature in an individual affected with hypospadias. These report(s) do not provide unequivocal conclusions about association of the variant with Androgen Resistance Syndrome. To our knowledge, no experimental evidence demonstrating an impact on protein function has been reported. The following publication have been ascertained in the context of this evaluation (PMID: 8683794). ClinVar contains an entry for this variant (Variation ID: 9840). Based on the evidence outlined above, the variant was classified as uncertain significance.

OMIM
Classification: Pathogenic for HYPOSPADIAS 1, X-LINKED. Last evaluated: 1996-08-01. Review status: no assertion criteria provided. Collection method: literature only. Allele origin: germline. Not counted in ClinVar's aggregate classification.

Literature cited by the submitters: PubMed 8683794 (cited by Women's Health and Genetics/Laboratory Corporation of America, LabCorp and OMIM).

NM_000044.6(AR):c.1645C>T (p.Pro549Ser)

Gene: AR (androgen receptor; plus strand). Cytogenetic location: Xq12.
Variant type: single nucleotide variant.
Coding change: c.1645C>T on transcript NM_000044.6 (MANE Select); coding-DNA position 1645, C replaced by T.
Protein change: p.Pro549Ser; replaces proline 549 with serine.
Molecular consequence: missense variant. On other transcripts: intron variant (1).
Genome position (GRCh38, 1-based): chrX:67,643,284, C>T. VCF-style: chrX-67643284-C-T. GRCh37 (hg19) VCF-style: chrX-66863126-C-T.
Other names: P546S; c.49C>T, p.Pro17Ser (NM_001011645.3); c.1645C>T, p.Pro549Ser (NM_001348061.1, NM_001348063.1); c.1617-42657C>T (NM_001348064.1); short protein forms P17S, P549S.
Identifiers: ClinVar variation 9840 (VCV000009840.2), dbSNP rs137852588, ClinGen allele CA120764.